The following is an entry in ClinVar:

ClinVar aggregate classification (germline): Likely benign. Review status: criteria provided, multiple submitters, no conflicts (2 of 4 stars). 4 submissions from 4 submitters: Likely benign (4). Last evaluated 2026-03-02.

Conditions:
Dilated cardiomyopathy 1AA (CMD1AA). Also called: CARDIOMYOPATHY, DILATED, 1AA, WITH OR WITHOUT LEFT VENTRICULAR NONCOMPACTION; CARDIOMYOPATHY, FAMILIAL HYPERTROPHIC, 23, WITH OR WITHOUT LEFT VENTRICULAR NONCOMPACTION; Cardiomyopathy, dilated, 1AA, with or without LVNC. Identifiers: Orphanet 154, MedGen C2677338, MONDO:0012808, OMIM 612158.
Primary familial hypertrophic cardiomyopathy (HCM). Identifiers: Orphanet 99739, MedGen C0949658, MeSH D024741, MONDO:0024573. Inheritance: Various modes of inheritance.
ACTN2-related disorder. Also called: ACTN2-related disorders; ACTN2 related condition.
Cardiovascular phenotype. Identifiers: MedGen CN230736.

Allele frequency attached by ClinVar (database versions not stated): gnomAD 0.00003 and 0.00004; gnomAD exomes 0.00006 and 0.00013; TOPMed 0.00006; ExAC 0.00012.
gnomAD v4.1: 39 of 1,613,966 alleles (0.0024%); highest among the groups gnomAD compares: Admixed American, 0.063%; no homozygotes.

Submissions (4):

Women's Health and Genetics/Laboratory Corporation of America, LabCorp
Classification: Likely benign. Last evaluated: 2026-03-02. Review status: criteria provided, single submitter. Criteria: LabCorp Variant Classification Summary - May 2015. Collection method: clinical testing. Allele origin: germline.

PreventionGenetics, part of Exact Sciences
Classification: Likely benign for ACTN2-related condition. Last evaluated: 2026-01-14. Review status: criteria provided, single submitter. Criteria: ACMG Guidelines, 2015. Collection method: clinical testing. Allele origin: germline.
Comment: This variant is classified as likely benign based on ACMG/AMP sequence variant interpretation guidelines (Richards et al. 2015 PMID: 25741868, with internal and published modifications).

Labcorp Genetics (formerly Invitae), Labcorp
Classification: Likely benign for Primary familial hypertrophic cardiomyopathy; Dilated cardiomyopathy 1AA. Last evaluated: 2025-12-26. Review status: criteria provided, single submitter. Criteria: Invitae Variant Classification Sherloc (09022015). Collection method: clinical testing. Allele origin: germline.

Ambry Genetics
Classification: Likely benign for Cardiovascular phenotype. Last evaluated: 2019-05-30. Review status: criteria provided, single submitter. Criteria: Ambry Variant Classification Scheme 2023. Collection method: clinical testing. Allele origin: germline.

NM_001103.4(ACTN2):c.1773C>G (p.Ile591Met)

Gene: ACTN2 (actinin alpha 2; plus strand). Cytogenetic location: 1q43.
Variant type: single nucleotide variant.
Coding change: c.1773C>G on transcript NM_001103.4 (MANE Select); coding-DNA position 1773, C replaced by G.
Protein change: p.Ile591Met; replaces isoleucine 591 with methionine.
Molecular consequence: missense variant.
Genome position (GRCh38, 1-based): chr1:236,751,586, C>G. VCF-style: chr1-236751586-C-G. GRCh37 (hg19) VCF-style: chr1-236914886-C-G.
Other names: c.1773C>G, p.Ile591Met (NM_001278343.2); c.1149C>G, p.Ile383Met (NM_001278344.2); short protein forms I591M, I383M.
Identifiers: ClinVar variation 532047 (VCV000532047.16), dbSNP rs771302220, ClinGen allele CA1473249.